The following is an entry in ClinVar:

ClinVar aggregate classification (germline): Uncertain significance (1 of 4 stars; one submission).

Conditions:
Hereditary nonpolyposis colorectal neoplasms. Identifiers: MedGen C0009405, MeSH D003123.

Submission:

Labcorp Genetics (formerly Invitae), Labcorp
Classification: Uncertain significance for Hereditary nonpolyposis colorectal neoplasms. Last evaluated: 2023-04-08. Review status: criteria provided, single submitter. Criteria: Invitae Variant Classification Sherloc (09022015). Collection method: clinical testing. Allele origin: germline.
Comment: In summary, the available evidence is currently insufficient to determine the role of this variant in disease. Therefore, it has been classified as a Variant of Uncertain Significance. Advanced modeling of protein sequence and biophysical properties (such as structural, functional, and spatial information, amino acid conservation, physicochemical variation, residue mobility, and thermodynamic stability) performed at Invitae indicates that this missense variant is not expected to disrupt MSH6 protein function. ClinVar contains an entry for this variant (Variation ID: 644095). This variant has not been reported in the literature in individuals affected with MSH6-related conditions. This variant is not present in population databases (gnomAD no frequency). This sequence change replaces isoleucine, which is neutral and non-polar, with methionine, which is neutral and non-polar, at codon 1239 of the MSH6 protein (p.Ile1239Met).

NM_000179.3(MSH6):c.3717A>G (p.Ile1239Met)

Gene: MSH6 (mutS homolog 6; plus strand). Cytogenetic location: 2p16.3.
Variant type: single nucleotide variant.
Coding change: c.3717A>G on transcript NM_000179.3 (MANE Select); coding-DNA position 3717, A replaced by G.
Protein change: p.Ile1239Met; replaces isoleucine 1239 with methionine.
Molecular consequence: missense variant.
Genome position (GRCh38, 1-based): chr2:47,806,274, A>G. VCF-style: chr2-47806274-A-G. GRCh37 (hg19) VCF-style: chr2-48033413-A-G.
Other names: c.3327A>G, p.Ile1109Met (NM_001281492.2); c.2811A>G, p.Ile937Met (NM_001281493.2, NM_001281494.2); short protein forms I1109M, I1239M, I937M.
Identifiers: ClinVar variation 644095 (VCV000644095.9), dbSNP rs1572744771, ClinGen allele CA346761011.